The following is an entry in ClinVar:

ClinVar aggregate classification (germline): Uncertain significance (1 of 4 stars; one submission).

Allele frequency attached by ClinVar (database versions not stated): gnomAD 0.00002; TOPMed 0.00002.
gnomAD v4.1: 10 of 1,546,966 alleles (0.00065%); highest among the groups gnomAD compares: Admixed American, 0.02%; no homozygotes.

Submission:

Labcorp Genetics (formerly Invitae), Labcorp
Classification: Uncertain significance. Last evaluated: 2022-08-02. Review status: criteria provided, single submitter. Criteria: Invitae Variant Classification Sherloc (09022015). Collection method: clinical testing. Allele origin: germline.
Comment: The RIN2 gene has multiple clinically relevant transcripts. This variant occurs in alternate transcript NM_001242581.1, and corresponds to NM_018993.3:c.-52A>G in the primary transcript. This sequence change falls in intron 1 of the RIN2 gene. It does not directly change the encoded amino acid sequence of the RIN2 protein. This variant is present in population databases (no rsID available, gnomAD 0.02%). This variant has not been reported in the literature in individuals affected with RIN2-related conditions. Experimental studies and prediction algorithms are not available or were not evaluated, and the effect of this variant on mRNA splicing is currently unknown. In summary, the available evidence is currently insufficient to determine the role of this variant in disease. Therefore, it has been classified as a Variant of Uncertain Significance.

NM_018993.4(RIN2):c.-36-16A>G

Gene: RIN2 (Ras and Rab interactor 2; plus strand). Cytogenetic location: 20p11.23.
Variant type: single nucleotide variant.
Coding change: c.-36-16A>G on transcript NM_018993.4 (MANE Select); 16 bases into the intron before 36 bases upstream of the start codon, A replaced by G.
Molecular consequence: intron variant.
Genome position (GRCh38, 1-based): chr20:19,889,550, A>G. VCF-style: chr20-19889550-A-G. GRCh37 (hg19) VCF-style: chr20-19870194-A-G.
Other names: c.-581-16A>G (NM_001378238.1); c.112-16A>G (NM_001242581.2).
Identifiers: ClinVar variation 1983575 (VCV001983575.1), dbSNP rs1243585403, ClinGen allele CA635059071.